The following is an entry in ClinVar:

ClinVar aggregate classification (germline): Uncertain significance. Review status: criteria provided, multiple submitters, no conflicts (2 of 4 stars). 2 submissions from 2 submitters: Uncertain significance (2). Last evaluated 2022-12-22.

Allele frequency attached by ClinVar (database versions not stated): gnomAD exomes below 0.00001 and 0.00001; TOPMed below 0.00001; ExAC 0.00001; gnomAD 0.00001.
gnomAD v4.1: 7 of 1,598,312 alleles (0.00044%); highest among the groups gnomAD compares: African/African-American, 0.0013%; no homozygotes.

Submissions (2):

Athena Diagnostics
Classification: Uncertain significance. Last evaluated: 2022-12-22. Review status: criteria provided, single submitter. Criteria: Athena Diagnostics Criteria. Collection method: clinical testing. Allele origin: unknown.
Comment: Available data are insufficient to determine the clinical significance of the variant at this time. The frequency of this variant in the general population is uninformative in assessment of its pathogenicity. Computational tools disagree on the variant's effect on normal protein function.

Labcorp Genetics (formerly Invitae), Labcorp
Classification: Uncertain significance. Last evaluated: 2020-03-05. Review status: criteria provided, single submitter. Criteria: Invitae Variant Classification Sherloc (09022015). Collection method: clinical testing. Allele origin: germline.
Comment: In summary, the available evidence is currently insufficient to determine the role of this variant in disease. Therefore, it has been classified as a Variant of Uncertain Significance. Algorithms developed to predict the effect of missense changes on protein structure and function do not agree on the potential impact of this missense change (SIFT: "Tolerated"; PolyPhen-2: "Probably Damaging"; Align-GVGD: "Class C0"). This variant has not been reported in the literature in individuals with SZT2-related disease. This variant is present in population databases (rs781377160, ExAC 0.02%). This sequence change replaces threonine with methionine at codon 496 of the SZT2 protein (p.Thr496Met). The threonine residue is weakly conserved and there is a moderate physicochemical difference between threonine and methionine.

NM_001365999.1(SZT2):c.1487C>T (p.Thr496Met)

Gene: SZT2 (SZT2 subunit of KICSTOR complex; plus strand). Cytogenetic location: 1p34.2.
Variant type: single nucleotide variant.
Coding change: c.1487C>T on transcript NM_001365999.1 (MANE Select); coding-DNA position 1487, C replaced by T.
Protein change: p.Thr496Met; replaces threonine 496 with methionine.
Molecular consequence: missense variant.
Genome position (GRCh38, 1-based): chr1:43,420,974, C>T. VCF-style: chr1-43420974-C-T. GRCh37 (hg19) VCF-style: chr1-43886645-C-T.
Other names: c.1487C>T, p.Thr496Met (NM_015284.4); c.1487C>T (NM_015284.3); short protein forms T496M.
Identifiers: ClinVar variation 1022299 (VCV001022299.9), dbSNP rs781377160, ClinGen allele CA808423.